The following is an entry in ClinVar:

NM_030662.4(MAP2K2):c.-4C>G

Genes: MAP2K2 (mitogen-activated protein kinase kinase 2; minus strand), LOC130063193 (ATAC-STARR-seq lymphoblastoid silent region 9881; plus strand). Cytogenetic location: 19p13.3.
Variant type: single nucleotide variant.
Coding change: c.-4C>G on transcript NM_030662.4 (MANE Select); 4 bases upstream of the start codon, C replaced by G.
Molecular consequence: 5 prime UTR variant.
Genome position (GRCh38, 1-based): chr19:4,123,879, G>C on the plus strand (C>G on the coding strand, the complement: MAP2K2 is on the minus strand). VCF-style: chr19-4123879-G-C. GRCh37 (hg19) VCF-style: chr19-4123876-G-C.
Identifiers: ClinVar variation 516377 (VCV000516377.8), dbSNP rs747742961, ClinGen allele CA9091119.
Genomic context (GRCh38, chr19:4,123,879, plus strand): 5'-GGCGATGGTAGGGTTGATGGTGAGCGCCGGCAGCACCGGCTTCCTCCGGGCCAGCATCGG[G>C]GCTCCGCGGGCCGGCGGCGGCGGCGCCTCTAGCCGGGGCCCATAGGGGGCGGGCCGGGAG-3'

ClinVar aggregate classification (germline): Conflicting classifications of pathogenicity. Review status: criteria provided, conflicting classifications (1 of 4 stars). 4 submissions from 4 submitters: Uncertain significance (2); Likely benign (2). Last evaluated 2024-07-01.

Conditions:
Cardiovascular phenotype. Identifiers: MedGen CN230736.

Allele frequency attached by ClinVar (database versions not stated): gnomAD exomes 0.00002; ExAC 0.00013; gnomAD 0.00026 and 0.00028; TOPMed 0.00027.
gnomAD v4.1: 78 of 1,440,486 alleles (0.0054%); highest among the groups gnomAD compares: African/African-American, 0.11%; no homozygotes.

Submissions (4):

Blueprint Genetics
Classification: Likely benign. Last evaluated: 2024-07-01. Review status: criteria provided, single submitter. Criteria: ACMG Guidelines, 2015. Collection method: clinical testing. Allele origin: germline.

Ambry Genetics
Classification: Uncertain significance for Cardiovascular phenotype. Last evaluated: 2024-03-05. Review status: criteria provided, single submitter. Criteria: Ambry Variant Classification Scheme 2023. Collection method: clinical testing. Allele origin: germline.
Comment: The c.-4C>G variant is located in the 5' untranslated region (5&rsquo; UTR) of the MAP2K2 gene. This variant results from a C to G substitution 4 bases upstream from the first translated codon. This nucleotide position is highly conserved in available vertebrate species. Based on the available evidence, the clinical significance of this alteration remains unclear.

Women's Health and Genetics/Laboratory Corporation of America, LabCorp
Classification: Uncertain significance. Last evaluated: 2024-01-15. Review status: criteria provided, single submitter. Criteria: LabCorp Variant Classification Summary - May 2015. Collection method: clinical testing. Allele origin: germline.

GeneDx
Classification: Likely benign. Last evaluated: 2023-03-13. Review status: criteria provided, single submitter. Criteria: GeneDx Variant Classification Process June 2021. Collection method: clinical testing. Allele origin: germline. Affected: yes.
Comment: See Variant Classification Assertion Criteria.